The following is an entry in ClinVar:

ClinVar aggregate classification (germline): Benign. Review status: criteria provided, multiple submitters, no conflicts (2 of 4 stars). 3 submissions from 2 submitters: Benign (3). Last evaluated 2021-05-17.

Conditions:
Susceptibility to mononeuropathy of the median nerve, mild. Also called: CARPAL TUNNEL SYNDROME, SUSCEPTIBILITY TO. Identifiers: MedGen C3150596, MONDO:0013237, OMIM 613353.
Charcot-Marie-Tooth disease type 4C (CMT4C). Also called: CHARCOT-MARIE-TOOTH DISEASE, DEMYELINATING, AUTOSOMAL RECESSIVE, TYPE 4C; CMT 4C; Charcot-Marie-Tooth Neuropathy Type 4C (CMT4C); CHARCOT-MARIE-TOOTH DISEASE, DEMYELINATING, TYPE 4C; SH3TC2-Related Hereditary Motor and Sensory Neuropathy. Identifiers: Orphanet 99949, MedGen C1866636, MONDO:0011113, OMIM 601596.

Allele frequency attached by ClinVar (database versions not stated): TOPMed 0.17532; 1000 Genomes Project 30x 0.18239; 1000 Genomes Project 0.18311; gnomAD 0.19789.
gnomAD v4.1: 27,985 of 152,174 alleles (18%); highest among the groups gnomAD compares: East Asian, 24%; 2,747 homozygotes.

Submissions (3):

GeneDx
Classification: Benign. Last evaluated: 2021-05-17. Review status: criteria provided, single submitter. Criteria: GeneDx Variant Classification Process June 2021. Collection method: clinical testing. Allele origin: germline. Affected: yes.

Illumina Laboratory Services, Illumina
Classification: Benign for Susceptibility to mononeuropathy of the median nerve, mild. Last evaluated: 2018-01-12. Review status: criteria provided, single submitter. Criteria: ICSL Variant Classification Criteria 13 December 2019. Collection method: clinical testing. Allele origin: germline.
Comment: This variant was observed in the ICSL laboratory as part of a predisposition screen in an ostensibly healthy population. It had not been previously curated by ICSL or reported in the Human Gene Mutation Database (HGMD: prior to June 1st, 2018), and was therefore a candidate for classification through an automated scoring system. Utilizing variant allele frequency, disease prevalence and penetrance estimates, and inheritance mode, an automated score was calculated to assess if this variant is too frequent to cause the disease. Based on the score and internal cut-off values, a variant classified as benign is not then subjected to further curation. The score for this variant resulted in a classification of benign for this disease.

Illumina Laboratory Services, Illumina
Classification: Benign for Charcot-Marie-Tooth disease type 4C. Last evaluated: 2018-01-12. Review status: criteria provided, single submitter. Criteria: ICSL Variant Classification Criteria 13 December 2019. Collection method: clinical testing. Allele origin: germline.
Comment: the same text as in the submission from Illumina Laboratory Services, Illumina above.

NM_024577.4(SH3TC2):c.*6436G>T

Gene: SH3TC2 (SH3 domain and tetratricopeptide repeats 2; minus strand). Cytogenetic location: 5q32.
Variant type: single nucleotide variant.
Coding change: c.*6436G>T on transcript NM_024577.4 (MANE Select); 6436 bases downstream of the stop codon, G replaced by T.
Molecular consequence: 3 prime UTR variant.
Genome position (GRCh38, 1-based): chr5:148,998,275, C>A on the plus strand (G>T on the coding strand, the complement: SH3TC2 is on the minus strand). VCF-style: chr5-148998275-C-A. GRCh37 (hg19) VCF-style: chr5-148377838-C-A.
Identifiers: ClinVar variation 351789 (VCV000351789.7), dbSNP rs11168079, ClinGen allele CA10620678.
Genomic context (GRCh38, chr5:148,998,275, plus strand): 5'-AAAATGCATTTCTTACTGTGGGCCACAACAACAACAACATAACAACAAAAAAGGATTTGA[C>A]AGCCACTACCCTAGTCTGATTCAGAACTATTAATATTAAATACGTTCTTTACCAATGATA-3'